The following is an entry in ClinVar:

NM_005548.3(KARS1):c.1367G>A (p.Cys456Tyr)

Genes: KARS1 (lysyl-tRNA synthetase 1; minus strand), LOC126862402 (CDK7 strongly-dependent group 2 enhancer GRCh37_chr16:75663368-75664567; plus strand). Cytogenetic location: 16q23.1.
Variant type: single nucleotide variant.
Coding change: c.1367G>A on transcript NM_005548.3 (MANE Select); coding-DNA position 1367, G replaced by A.
Protein change: p.Cys456Tyr; replaces cysteine 456 with tyrosine.
Molecular consequence: missense variant.
Genome position (GRCh38, 1-based): chr16:75,630,480, C>T on the plus strand (G>A on the coding strand, the complement: KARS1 is on the minus strand). VCF-style: chr16-75630480-C-T. GRCh37 (hg19) VCF-style: chr16-75664378-C-T.
Other names: c.1451G>A, p.Cys484Tyr (NM_001130089.2); c.899G>A, p.Cys300Tyr (NM_001378148.1); short protein forms C300Y, C456Y, C484Y.
Identifiers: ClinVar variation 2576867 (VCV002576867.1), dbSNP rs748723559, ClinGen allele CA8177277.

ClinVar aggregate classification (germline): Uncertain significance (1 of 4 stars; one submission).

Allele frequency attached by ClinVar (database versions not stated): ExAC 0.00001.
gnomAD v4.1: 2 of 1,611,824 alleles (0.00012%); highest among the groups gnomAD compares: East Asian, 0.0022%; no homozygotes.

Submission:

GeneDx
Classification: Uncertain significance. Last evaluated: 2023-02-15. Review status: criteria provided, single submitter. Criteria: GeneDx Variant Classification Process June 2021. Collection method: clinical testing. Allele origin: germline. Affected: yes.
Comment: Not observed at significant frequency in large population cohorts (gnomAD); In silico analysis supports that this missense variant has a deleterious effect on protein structure/function; Has not been previously published as pathogenic or benign to our knowledge